The following is an entry in ClinVar:

ClinVar aggregate classification (germline): Uncertain significance. Review status: criteria provided, multiple submitters, no conflicts (2 of 4 stars). 4 submissions from 4 submitters: Uncertain significance (4). Last evaluated 2023-10-30.

Conditions:
Cardiovascular phenotype. Identifiers: MedGen CN230736.
Arrhythmogenic right ventricular cardiomyopathy (ARVD). Also called: Cardiomyopathy, ARVC; Arrhythmogenic right ventricular dysplasia; Arrhythmogenic cardiomyopathy; Arrhythmogenic Right Ventricular Cardiomyopathy (ARVC). Identifiers: Orphanet 247, MedGen C0349788, MeSH D019571, MONDO:0016587. Disease mechanism: loss of function. Inheritance: Various modes of inheritance.
Cardiomyopathy (CMYO). Also called: Cardiomyopathies. Identifiers: Orphanet 167848, MedGen C0878544, MONDO:0004994, HP:0001638. Inheritance: Various modes of inheritance.
Arrhythmogenic right ventricular dysplasia 9 (ARVD9). Also called: Arrhythmogenic Right Ventricular Dysplasia/Cardiomyopathy 9; ARRHYTHMOGENIC RIGHT VENTRICULAR DYSPLASIA, FAMILIAL, 9. Identifiers: MedGen C1836906, MONDO:0012180, OMIM 609040.

Submissions (4):

All of Us Research Program, National Institutes of Health
Classification: Uncertain significance for Arrhythmogenic right ventricular cardiomyopathy. Last evaluated: 2023-10-30. Review status: criteria provided, single submitter. Criteria: ACMG Guidelines, 2015. Collection method: clinical testing. Allele origin: germline. Inheritance: Autosomal dominant inheritance. Observed: 2 variant alleles, 2 heterozygotes.
Comment: This missense variant replaces arginine with leucine at codon 101 of the PKP2 protein. Computational prediction suggests that this variant may not impact protein structure and function (internally defined REVEL score threshold <= 0.5, PMID: 27666373). To our knowledge, functional studies have not been reported for this variant. This variant has not been reported in individuals affected with PKP2-related disorders in the literature. This variant has not been identified in the general population by the Genome Aggregation Database (gnomAD). The available evidence is insufficient to determine the role of this variant in disease conclusively. Therefore, this variant is classified as a Variant of Uncertain Significance.

This study involves interpretation of variants in research participants for the purpose of population health screening. Participant phenotype was not available at the time of variant classification. Additional details can be found in publication PMID: 35346344, PMCID: PMC8962531

Color Diagnostics, LLC DBA Color Health
Classification: Uncertain significance for Cardiomyopathy. Last evaluated: 2023-07-31. Review status: criteria provided, single submitter. Criteria: ACMG Guidelines, 2015. Collection method: clinical testing. Allele origin: germline.
Comment: This missense variant replaces arginine with leucine at codon 101 of the PKP2 protein. Computational prediction suggests that this variant may not impact protein structure and function (internally defined REVEL score threshold <= 0.5, PMID: 27666373). To our knowledge, functional studies have not been reported for this variant. This variant has not been reported in individuals affected with PKP2-related disorders in the literature. This variant has not been identified in the general population by the Genome Aggregation Database (gnomAD). The available evidence is insufficient to determine the role of this variant in disease conclusively. Therefore, this variant is classified as a Variant of Uncertain Significance.

Labcorp Genetics (formerly Invitae), Labcorp
Classification: Uncertain significance for Arrhythmogenic right ventricular dysplasia 9. Last evaluated: 2022-06-22. Review status: criteria provided, single submitter. Criteria: Invitae Variant Classification Sherloc (09022015). Collection method: clinical testing. Allele origin: germline.
Comment: In summary, the available evidence is currently insufficient to determine the role of this variant in disease. Therefore, it has been classified as a Variant of Uncertain Significance. Algorithms developed to predict the effect of missense changes on protein structure and function (SIFT, PolyPhen-2, Align-GVGD) all suggest that this variant is likely to be tolerated. This variant has not been reported in the literature in individuals affected with PKP2-related conditions. This variant is not present in population databases (gnomAD no frequency). This sequence change replaces arginine, which is basic and polar, with leucine, which is neutral and non-polar, at codon 101 of the PKP2 protein (p.Arg101Leu).

Ambry Genetics
Classification: Uncertain significance for Cardiovascular phenotype. Last evaluated: 2020-12-16. Review status: criteria provided, single submitter. Criteria: Ambry Variant Classification Scheme 2023. Collection method: clinical testing. Allele origin: germline.
Comment: The p.R101L variant (also known as c.302G>T), located in coding exon 2 of the PKP2 gene, results from a G to T substitution at nucleotide position 302. The arginine at codon 101 is replaced by leucine, an amino acid with dissimilar properties. This amino acid position is not well conserved in available vertebrate species, and leucine is the reference amino acid in other vertebrate species. In addition, this alteration is predicted to be tolerated by in silico analysis. Since supporting evidence is limited at this time, the clinical significance of this alteration remains unclear.

NM_001005242.3(PKP2):c.302G>T (p.Arg101Leu)

Gene: PKP2 (plakophilin 2; minus strand). Cytogenetic location: 12p11.21.
Variant type: single nucleotide variant.
Coding change: c.302G>T on transcript NM_001005242.3 (MANE Select); coding-DNA position 302, G replaced by T.
Protein change: p.Arg101Leu; replaces arginine 101 with leucine.
Molecular consequence: missense variant.
Genome position (GRCh38, 1-based): chr12:32,878,954, C>A on the plus strand (G>T on the coding strand, the complement: PKP2 is on the minus strand). VCF-style: chr12-32878954-C-A. GRCh37 (hg19) VCF-style: chr12-33031888-C-A.
Other names: c.302G>T, p.Arg101Leu (NM_001407155.1, NM_001407156.1, NM_001407157.1 and 2 more transcripts); c.-26G>T (NM_001407158.1, NM_001407159.1, NM_001407160.1 and 1 more transcripts); short protein forms R101L.
Identifiers: ClinVar variation 1799022 (VCV001799022.10), dbSNP rs149542398, ClinGen allele CA235267349.
Genomic context (GRCh38, chr12:32,878,954, plus strand): 5'-TAGGGTTACATTCTTTGATATCCTACCTTTAGCATGTCATAGGTTTTAGGAACAGGGGAA[C>A]GGCCTCCAACAAAATCATTTTCAACCAAGTGTAGGTTGTAGACATACTCAGGAACACTGC-3'
Protein context (NP_001005242.2, residues 91-111): HLVENDFVGG[Arg101Leu]SPVPKTYDML